The following is an entry in ClinVar:

NM_002049.4(GATA1):c.169_170insGCTGCAGGGTG (p.Ala57fs)

Gene: GATA1 (GATA binding protein 1; plus strand). Cytogenetic location: Xp11.23.
Variant type: Insertion.
Coding change: c.169_170insGCTGCAGGGTG on transcript NM_002049.4 (MANE Select); coding-DNA positions 169 to 170, GCTGCAGGGTG inserted.
Protein change: p.Ala57fs; shifts the reading frame from alanine 57.
Molecular consequence: frameshift variant.
Genome position: GRCh38 VCF-style: chrX-48791277-A-AGGCTGCAGGGT. GRCh37 (hg19) VCF-style: chrX-48649684-A-AGGCTGCAGGGT.
Other names: short protein forms A57fs.
Identifiers: ClinVar variation 2635148 (VCV002635148.1), dbSNP rs2519343812, ClinGen allele CA2695200207.

ClinVar aggregate classification (germline): Likely pathogenic (1 of 4 stars; one submission).

Conditions:
GATA1-related disorder. Also called: GATA1-related condition.

Submission:

PreventionGenetics, part of Exact Sciences
Classification: Likely pathogenic for GATA1-related condition. Last evaluated: 2022-12-07. Review status: criteria provided, single submitter. Criteria: ACMG Guidelines, 2015. Collection method: clinical testing. Allele origin: germline.
Comment: The GATA1 c.169_170insGCTGCAGGGTG variant is predicted to result in a frameshift and premature protein termination (p.Ala57Glyfs*84). To our knowledge, this variant has not been reported in the literature or in a large population database, indicating this variant is rare. Frameshift variants in GATA1 are expected to be pathogenic. This variant is interpreted as likely pathogenic.